The following is an entry in ClinVar:

ClinVar aggregate classification (germline): Uncertain significance (1 of 4 stars; one submission).

Conditions:
CHARGE syndrome (CHARGE). Also called: Hittner Hirsch Kreh syndrome; CHARGE ASSOCIATION--COLOBOMA, HEART ANOMALY, CHOANAL ATRESIA, RETARDATION, GENITAL AND EAR ANOMALIES; Coloboma, heart anomaly, choanal atresia, retardation, genital and ear anomalies; CHARGE association; Hall-Hittner syndrome. Identifiers: Orphanet 138, MedGen C0265354, MONDO:0008965.

Allele frequency attached by ClinVar (database versions not stated): gnomAD exomes below 0.00001; TOPMed below 0.00001; ExAC 0.00001.
gnomAD v4.1: 5 of 1,611,480 alleles (0.00031%); highest among the groups gnomAD compares: East Asian, 0.0045%; no homozygotes.

Submission:

Labcorp Genetics (formerly Invitae), Labcorp
Classification: Uncertain significance for CHARGE syndrome. Last evaluated: 2024-10-24. Review status: criteria provided, single submitter. Criteria: Invitae Variant Classification Sherloc (09022015). Collection method: clinical testing. Allele origin: germline.
Comment: This sequence change falls in intron 13 of the SEMA3E gene. It does not directly change the encoded amino acid sequence of the SEMA3E protein. It affects a nucleotide within the consensus splice site. This variant is present in population databases (rs751299105, gnomAD 0.01%). This variant has not been reported in the literature in individuals affected with SEMA3E-related conditions. ClinVar contains an entry for this variant (Variation ID: 2059670). Variants that disrupt the consensus splice site are a relatively common cause of aberrant splicing (PMID: 17576681, 9536098). Algorithms developed to predict the effect of sequence changes on RNA splicing suggest that this variant is not likely to affect RNA splicing. In summary, the available evidence is currently insufficient to determine the role of this variant in disease. Therefore, it has been classified as a Variant of Uncertain Significance.

Literature cited by the submitters: PubMed 17576681; PubMed 9536098.

NM_012431.3(SEMA3E):c.1500+6T>C

Gene: SEMA3E (semaphorin 3E; minus strand). Cytogenetic location: 7q21.11.
Variant type: single nucleotide variant.
Coding change: c.1500+6T>C on transcript NM_012431.3 (MANE Select); 6 bases into the intron after coding-DNA position 1500, T replaced by C.
Molecular consequence: intron variant.
Genome position (GRCh38, 1-based): chr7:83,394,291, A>G on the plus strand (T>C on the coding strand, the complement: SEMA3E is on the minus strand). VCF-style: chr7-83394291-A-G. GRCh37 (hg19) VCF-style: chr7-83023607-A-G.
Other names: c.1320+6T>C (NM_001178129.2).
Identifiers: ClinVar variation 2059670 (VCV002059670.4), dbSNP rs751299105, ClinGen allele CA4322001.